The following is an entry in ClinVar:

ClinVar aggregate classification (germline): Conflicting classifications of pathogenicity. Review status: criteria provided, conflicting classifications (1 of 4 stars). 6 submissions from 6 submitters: Uncertain significance (5); Likely benign (1). Last evaluated 2024-04-10.

Conditions:
BRCA2-related cancer predisposition. Identifiers: MedGen CN377758, MONDO:0700269.
Hereditary cancer-predisposing syndrome. Also called: Neoplastic Syndromes, Hereditary; Tumor predisposition; Hereditary neoplastic syndrome; Hereditary Cancer Syndrome. Identifiers: Orphanet 140162, MedGen C0027672, MeSH D009386, MONDO:0015356.
Hereditary breast ovarian cancer syndrome. Also called: Hereditary breast and ovarian cancer syndrome; Hereditary breast and ovarian cancer; Hereditary breast and ovarian cancer syndrome (HBOC); Breast and ovarian cancer; Hereditary breast and/or ovarian cancer syndrome; BRCA1- and BRCA2-Associated Hereditary Breast and Ovarian Cancer. Identifiers: Orphanet 145, MedGen C0677776, MeSH D061325, MONDO:0003582. Disease mechanism: loss of function.

Allele frequency attached by ClinVar (database versions not stated): gnomAD exomes below 0.00001.
gnomAD v4.1: 1 of 1,613,738 alleles (0.000062%); highest among the groups gnomAD compares: Admixed American, 0.0017%; no homozygotes.

Submissions (6):

All of Us Research Program, National Institutes of Health
Classification: Uncertain significance for BRCA2-related cancer predisposition. Last evaluated: 2024-04-10. Review status: criteria provided, single submitter. Criteria: ACMG Guidelines, 2015. Collection method: clinical testing. Allele origin: germline. Inheritance: Autosomal dominant inheritance. Observed: 1 variant allele, 1 heterozygote.
Comment: This study involves interpretation of variants in research participants for the purpose of population health screening. Participant phenotype was not available at the time of variant classification. Additional details can be found in publication PMID: 35346344, PMCID: PMC8962531

Labcorp Genetics (formerly Invitae), Labcorp
Classification: Uncertain significance for Hereditary breast ovarian cancer syndrome. Last evaluated: 2023-12-17. Review status: criteria provided, single submitter. Criteria: Invitae Variant Classification Sherloc (09022015). Collection method: clinical testing. Allele origin: germline.
Comment: This sequence change replaces alanine, which is neutral and non-polar, with glycine, which is neutral and non-polar, at codon 573 of the BRCA2 protein (p.Ala573Gly). This variant is present in population databases (no rsID available, gnomAD 0.003%). This variant has not been reported in the literature in individuals affected with BRCA2-related conditions. ClinVar contains an entry for this variant (Variation ID: 629320). Advanced modeling of protein sequence and biophysical properties (such as structural, functional, and spatial information, amino acid conservation, physicochemical variation, residue mobility, and thermodynamic stability) performed at Invitae indicates that this missense variant is not expected to disrupt BRCA2 protein function with a negative predictive value of 95%. In summary, the available evidence is currently insufficient to determine the role of this variant in disease. Therefore, it has been classified as a Variant of Uncertain Significance.

University of Washington Department of Laboratory Medicine, University of Washington
Classification: Likely benign for Hereditary cancer-predisposing syndrome. Last evaluated: 2023-03-23. Review status: criteria provided, single submitter. Criteria: Dines et al. (Genet Med. 2020). Collection method: curation. Allele origin: germline.
Comment: Missense variant in a coldspot region where missense variants are very unlikely to be pathogenic (PMID:31911673).

BRCA2 exon 10 coldspot. Reclassification based on statistical prior probability.

Ambry Genetics
Classification: Uncertain significance for Hereditary cancer-predisposing syndrome. Last evaluated: 2022-01-13. Review status: criteria provided, single submitter. Criteria: Ambry Variant Classification Scheme 2023. Collection method: clinical testing. Allele origin: germline.
Comment: The p.A573G variant (also known as c.1718C>G), located in coding exon 9 of the BRCA2 gene, results from a C to G substitution at nucleotide position 1718. The alanine at codon 573 is replaced by glycine, an amino acid with similar properties. This amino acid position is not well conserved in available vertebrate species. In addition, this alteration is predicted to be tolerated by in silico analysis. Since supporting evidence is limited at this time, the clinical significance of this alteration remains unclear.

Color Diagnostics, LLC DBA Color Health
Classification: Uncertain significance for Hereditary cancer-predisposing syndrome. Last evaluated: 2019-05-04. Review status: criteria provided, single submitter. Criteria: ACMG Guidelines, 2015. Collection method: clinical testing. Allele origin: germline.

Women's Health and Genetics/Laboratory Corporation of America, LabCorp
Classification: Uncertain significance. Last evaluated: 2018-08-17. Review status: criteria provided, single submitter. Criteria: LabCorp Variant Classification Summary - May 2015. Collection method: clinical testing. Allele origin: germline.
Comment: Variant summary: BRCA2 c.1718C>G (p.Ala573Gly) results in a non-conservative amino acid change in the encoded protein sequence. Three of five in-silico tools predict a benign effect of the variant on protein function. The variant allele was found at a frequency of 4.1e-06 in 245988 control chromosomes. The available data on variant occurrences in the general population are insufficient to allow any conclusion about variant significance. To our knowledge, no occurrence of c.1718C>G in individuals affected with Hereditary Breast and Ovarian Cancer and no experimental evidence demonstrating its impact on protein function have been reported. No clinical diagnostic laboratories have submitted clinical-significance assessments for this variant to ClinVar after 2014. Based on the evidence outlined above, the variant was classified as uncertain significance.

NM_000059.4(BRCA2):c.1718C>G (p.Ala573Gly)

Gene: BRCA2 (BRCA2 DNA repair associated; plus strand). Cytogenetic location: 13q13.1.
Variant type: single nucleotide variant.
Coding change: c.1718C>G on transcript NM_000059.4 (MANE Select); coding-DNA position 1718, C replaced by G.
Protein change: p.Ala573Gly; replaces alanine 573 with glycine.
Molecular consequence: missense variant.
Genome position (GRCh38, 1-based): chr13:32,333,196, C>G. VCF-style: chr13-32333196-C-G. GRCh37 (hg19) VCF-style: chr13-32907333-C-G.
Other names: short protein forms A573G.
Identifiers: ClinVar variation 629320 (VCV000629320.17), dbSNP rs1262187089, ClinGen allele CA387765328.